The following is an entry in ClinVar:

NM_000146.4(FTL):c.488G>A (p.Gly163Asp)

Gene: FTL (ferritin light chain; plus strand). Cytogenetic location: 19q13.33.
Variant type: single nucleotide variant.
Coding change: c.488G>A on transcript NM_000146.4 (MANE Select); coding-DNA position 488, G replaced by A.
Protein change: p.Gly163Asp; replaces glycine 163 with aspartic acid.
Molecular consequence: missense variant.
Genome position (GRCh38, 1-based): chr19:48,966,695, G>A. VCF-style: chr19-48966695-G-A. GRCh37 (hg19) VCF-style: chr19-49469952-G-A.
Other names: short protein forms G163D.
Identifiers: ClinVar variation 2948013 (VCV002948013.3), dbSNP rs2513696424, ClinGen allele CA406757432.

ClinVar aggregate classification (germline): Uncertain significance (1 of 4 stars; one submission).

Conditions:
Neuroferritinopathy (NBIA3). Also called: NEURODEGENERATION WITH BRAIN IRON ACCUMULATION 3; BASAL GANGLIA DISEASE, ADULT-ONSET. Identifiers: Orphanet 157846, MedGen C1853578, MONDO:0011638, OMIM 606159.
Hereditary hyperferritinemia with congenital cataracts. Also called: Hereditary hyperferritinemia cataract syndrome; Bonneau-Beaumont syndrome; HYPERFERRITINEMIA WITH OR WITHOUT CATARACT. Identifiers: Orphanet 163, MedGen C1833213, MONDO:0010952, OMIM 600886.

Submission:

Labcorp Genetics (formerly Invitae), Labcorp
Classification: Uncertain significance for Neuroferritinopathy; Hereditary hyperferritinemia with congenital cataracts. Last evaluated: 2024-04-15. Review status: criteria provided, single submitter. Criteria: Invitae Variant Classification Sherloc (09022015). Collection method: clinical testing. Allele origin: germline.
Comment: This sequence change replaces glycine, which is neutral and non-polar, with aspartic acid, which is acidic and polar, at codon 163 of the FTL protein (p.Gly163Asp). This variant is not present in population databases (gnomAD no frequency). This variant has not been reported in the literature in individuals affected with FTL-related conditions. An algorithm developed to predict the effect of missense changes on protein structure and function (PolyPhen-2) suggests that this variant is likely to be disruptive. In summary, the available evidence is currently insufficient to determine the role of this variant in disease. Therefore, it has been classified as a Variant of Uncertain Significance.